The following is an entry in ClinVar:

ClinVar aggregate classification (germline): Likely benign. Review status: criteria provided, multiple submitters, no conflicts (2 of 4 stars). 2 submissions from 2 submitters: Likely benign (2). Last evaluated 2026-09-22.

Conditions:
IFT74-related disorder. Also called: IFT74-related condition; IFT74-Related Disorders.

Allele frequency attached by ClinVar (database versions not stated): TOPMed 0.00001.

Submissions (2):

PreventionGenetics, part of Exact Sciences
Classification: Likely benign for IFT74-related condition. Last evaluated: 2026-09-22. Review status: criteria provided, single submitter. Criteria: ACMG Guidelines, 2015. Collection method: clinical testing. Allele origin: germline.
Comment: This variant is classified as likely benign based on ACMG/AMP sequence variant interpretation guidelines (Richards et al. 2015 PMID: 25741868, with internal and published modifications).

Labcorp Genetics (formerly Invitae), Labcorp
Classification: Likely benign. Last evaluated: 2025-08-03. Review status: criteria provided, single submitter. Criteria: Invitae Variant Classification Sherloc (09022015). Collection method: clinical testing. Allele origin: germline.

NM_025103.4(IFT74):c.1419A>G (p.Lys473=)

Gene: IFT74 (intraflagellar transport 74; plus strand). Cytogenetic location: 9p21.2.
Variant type: single nucleotide variant.
Coding change: c.1419A>G on transcript NM_025103.4 (MANE Select); coding-DNA position 1419, A replaced by G.
Protein change: p.Lys473=; no amino-acid change (lysine 473 retained).
Molecular consequence: synonymous variant.
Genome position (GRCh38, 1-based): chr9:27,055,694, A>G. VCF-style: chr9-27055694-A-G. GRCh37 (hg19) VCF-style: chr9-27055692-A-G.
Other names: c.1419A>G, p.Lys473= (NM_001099222.3, NM_001099223.3, NM_001349928.2); c.1419A>G (NM_025103.2).
Identifiers: ClinVar variation 3011459 (VCV003011459.4), dbSNP rs1820129995, ClinGen allele CA464170128.